The following is an entry in ClinVar:

ClinVar aggregate classification (germline): Likely benign. Review status: criteria provided, multiple submitters, no conflicts (2 of 4 stars). 8 submissions from 8 submitters: Likely benign (7). 1 of the submissions does not count toward it. Last evaluated 2025-12-16.

Conditions:
Charcot-Marie-Tooth disease. Also called: Charcot-Marie-Tooth Neuropathy; Charcot-Marie-Tooth Hereditary Neuropathy. Identifiers: Orphanet 166, MedGen C0007959, MONDO:0015626.
LRSAM1-related disorder. Also called: LRSAM1-related condition.
Charcot-Marie-Tooth disease axonal type 2P. Also called: CHARCOT-MARIE-TOOTH NEUROPATHY, TYPE 2P; Charcot-Marie-Tooth Neuropathy Type 2G; CHARCOT-MARIE-TOOTH DISEASE, AXONAL, TYPE 2G; CMT 2G. Identifiers: Orphanet 300319, Orphanet 99941, MedGen C3280797, MONDO:0013753, OMIM 614436.

Allele frequency attached by ClinVar (database versions not stated): TOPMed 0.00041; ESP Exome Variant Server 0.00062; gnomAD 0.00064.

Submissions (8):

Labcorp Genetics (formerly Invitae), Labcorp
Classification: Likely benign for Charcot-Marie-Tooth disease axonal type 2P. Last evaluated: 2025-12-16. Review status: criteria provided, single submitter. Criteria: Invitae Variant Classification Sherloc (09022015). Collection method: clinical testing. Allele origin: germline.

Women's Health and Genetics/Laboratory Corporation of America, LabCorp
Classification: Likely benign. Last evaluated: 2025-05-06. Review status: criteria provided, single submitter. Criteria: LabCorp Variant Classification Summary - May 2015. Collection method: clinical testing. Allele origin: germline.

Blueprint Genetics
Classification: Likely benign. Last evaluated: 2024-10-08. Review status: criteria provided, single submitter. Criteria: ACMG Guidelines, 2015. Collection method: clinical testing. Allele origin: germline.

ARUP Laboratories, Molecular Genetics and Genomics, ARUP Laboratories
Classification: Likely benign for Charcot-Marie-Tooth disease axonal type 2P. Last evaluated: 2023-09-21. Review status: criteria provided, single submitter. Criteria: ARUP Molecular Germline Variant Investigation Process 2024. Collection method: clinical testing. Allele origin: germline.

GeneDx
Classification: Likely benign. Last evaluated: 2018-05-21. Review status: criteria provided, single submitter. Criteria: GeneDx Variant Classification Process June 2021. Collection method: clinical testing. Allele origin: germline. Affected: yes.

Illumina Laboratory Services, Illumina
Classification: Likely benign for Charcot-Marie-Tooth disease axonal type 2P. Last evaluated: 2018-01-13. Review status: criteria provided, single submitter. Criteria: ICSL Variant Classification Criteria 13 December 2019. Collection method: clinical testing. Allele origin: germline.
Comment: This variant was observed in the ICSL laboratory as part of a predisposition screen in an ostensibly healthy population. It had not been previously curated by ICSL or reported in the Human Gene Mutation Database (HGMD: prior to June 1st, 2018), and was therefore a candidate for classification through an automated scoring system. Utilizing variant allele frequency, disease prevalence and penetrance estimates, and inheritance mode, an automated score was calculated to assess if this variant is too frequent to cause the disease. Based on the score and internal cut-off values, a variant classified as likely benign is not then subjected to further curation. The score for this variant resulted in a classification of likely benign for this disease.

Molecular Genetics Laboratory, London Health Sciences Centre
Classification: Likely benign for Charcot-Marie-Tooth disease. Review status: criteria provided, single submitter. Criteria: ACMG Guidelines, 2015. Collection method: clinical testing. Allele origin: germline. Affected: yes.

PreventionGenetics, part of Exact Sciences
Classification: Likely benign for LRSAM1-related condition. Last evaluated: 2021-10-04. Review status: no assertion criteria provided. Collection method: clinical testing. Allele origin: germline. Not counted in ClinVar's aggregate classification.
Comment: This variant is classified as likely benign based on ACMG/AMP sequence variant interpretation guidelines (Richards et al. 2015 PMID: 25741868, with internal and published modifications).

NM_001005373.4(LRSAM1):c.406+15G>T

Gene: LRSAM1 (leucine rich repeat and sterile alpha motif containing 1; plus strand). Cytogenetic location: 9q33.3.
Variant type: single nucleotide variant.
Coding change: c.406+15G>T on transcript NM_001005373.4 (MANE Select); 15 bases into the intron after coding-DNA position 406, G replaced by T.
Molecular consequence: intron variant.
Genome position (GRCh38, 1-based): chr9:127,461,272, G>T. VCF-style: chr9-127461272-G-T. GRCh37 (hg19) VCF-style: chr9-130223551-G-T.
Other names: c.406+15G>T (NM_138361.5, NM_001384142.1, NM_001384143.1 and 2 more transcripts); c.-379+15G>T (NM_001384144.1).
Identifiers: ClinVar variation 365011 (VCV000365011.20), dbSNP rs201808404, ClinGen allele CA5246532.
Genomic context (GRCh38, chr9:127,461,272, plus strand): 5'-CGTTCCATTGGGAACCTGACCCAGCTCCAGACTCTCAATGTTAAAGGTAGGGACCAAGAA[G>T]CCGTGTCCGTGTGACCCTCCATCAGCTCTGGGCCATCCTGGCCGGGATCCACAGGCTGCC-3'